The following is an entry in ClinVar:

ClinVar aggregate classification (germline): Pathogenic/Likely pathogenic. Review status: criteria provided, multiple submitters, no conflicts (2 of 4 stars). 4 submissions from 4 submitters: Pathogenic (3); Likely pathogenic (1). Last evaluated 2024-11-05.

Conditions:
RMND1-related disorder. Also called: RMND1-related condition.
Combined oxidative phosphorylation defect type 11. Also called: Combined oxidative phosphorylation deficiency 11; ENCEPHALONEUROMYOPATHY, INFANTILE, DUE TO MITOCHONDRIAL TRANSLATION DEFECT. Identifiers: Orphanet 324535, MedGen C5190991, MONDO:0013969, OMIM 614922.

Submissions (4):

Gharavi Laboratory, Columbia University
Classification: Pathogenic for Combined oxidative phosphorylation deficiency 11. Last evaluated: 2024-11-05. Review status: criteria provided, single submitter. Criteria: ACMG Guidelines, 2015. Collection method: case-control. Allele origin: germline. Affected: yes.
Comment: Compound heterozygote with NM_017909.4:c.80A>G

ENST00000336451

Blueprint Genetics
Classification: Likely pathogenic for RMND1-related disorders. Last evaluated: 2024-04-10. Review status: criteria provided, single submitter. Criteria: ACMG Guidelines, 2015. Collection method: clinical testing. Allele origin: germline. Affected: yes. Observed: 5 variant alleles.

Fulgent Genetics
Classification: Pathogenic for Combined oxidative phosphorylation defect type 11. Last evaluated: 2022-04-05. Review status: criteria provided, single submitter. Criteria: ACMG Guidelines, 2015. Collection method: clinical testing. Allele origin: unknown.

GeneDx
Classification: Pathogenic. Last evaluated: 2020-02-14. Review status: criteria provided, single submitter. Criteria: GeneDx Variant Classification Process June 2021. Collection method: clinical testing. Allele origin: germline. Affected: yes.
Comment: Frameshift variant predicted to result in protein truncation or nonsense mediated decay in a gene for which loss-of-function is a known mechanism of disease; Not observed at a significant frequency in large population cohorts (Lek et al., 2016); This variant is associated with the following publications: (PMID: 27843092, 31568715)

NM_017909.4(RMND1):c.485del (p.Pro162fs)

Gene: RMND1 (required for meiotic nuclear division 1 homolog; minus strand). Cytogenetic location: 6q25.1.
Variant type: Deletion.
Coding change: c.485del on transcript NM_017909.4 (MANE Select); coding-DNA position 485, one base deleted (C; older notation c.485delC).
Protein change: p.Pro162fs; shifts the reading frame from proline 162.
Molecular consequence: frameshift variant. On other transcripts: intron variant (1).
Genome position (GRCh38, 1-based): chr6:151,445,327, G deleted on the plus strand (C on the coding strand, the reverse complement: RMND1 is on the minus strand); the first of 2 consecutive G bases (chr6:151,445,327-151,445,328); deleting either gives the same sequence. VCF-style (leftmost placement, unchanged base first): chr6-151445326-TG-T. GRCh37 (hg19) VCF-style: chr6-151766461-TG-T.
Other names: c.485delC (NM_017909.2, NM_017909.4); c.-7+6689del (NM_001271937.2); short protein forms P162fs.
Identifiers: ClinVar variation 280833 (VCV000280833.6), dbSNP rs759477396, ClinGen allele CA4051029.